The following is an entry in ClinVar:

NM_017534.6(MYH2):c.5708G>A (p.Arg1903His)

Genes: MYH2 (myosin heavy chain 2; minus strand), MYHAS (myosin heavy chain gene cluster antisense RNA; plus strand). Cytogenetic location: 17p13.1.
Variant type: single nucleotide variant.
Coding change: c.5708G>A on transcript NM_017534.6 (MANE Select); coding-DNA position 5708, G replaced by A.
Protein change: p.Arg1903His; replaces arginine 1903 with histidine.
Molecular consequence: missense variant.
Genome position (GRCh38, 1-based): chr17:10,521,398, C>T on the plus strand (G>A on the coding strand, the complement: MYH2 is on the minus strand). VCF-style: chr17-10521398-C-T. GRCh37 (hg19) VCF-style: chr17-10424715-C-T.
Other names: c.5708G>A, p.Arg1903His (NM_001100112.2); short protein forms R1903H.
Identifiers: ClinVar variation 1519833 (VCV001519833.8), dbSNP rs770302436, ClinGen allele CA8390321.

ClinVar aggregate classification (germline): Uncertain significance (1 of 4 stars; one submission).

Conditions:
Myopathy, proximal, and ophthalmoplegia (CMYO6). Also called: MYOPATHY WITH CONGENITAL JOINT CONTRACTURES, OPHTHALMOPLEGIA, AND RIMMED VACUOLES; INCLUSION BODY MYOPATHY 3, AUTOSOMAL DOMINANT; CONGENITAL MYOPATHY 6 WITH OPHTHALMOPLEGIA. Identifiers: Orphanet 363677, Orphanet 79091, MedGen C1854106, MONDO:0011577, OMIM 605637.

Allele frequency attached by ClinVar (database versions not stated): gnomAD 0.00001; ExAC 0.00005; gnomAD exomes 0.00007.
gnomAD v4.1: 59 of 1,613,848 alleles (0.0037%); highest among the groups gnomAD compares: South Asian, 0.023%; no homozygotes.

Submission:

Labcorp Genetics (formerly Invitae), Labcorp
Classification: Uncertain significance for Myopathy, proximal, and ophthalmoplegia. Last evaluated: 2025-03-31. Review status: criteria provided, single submitter. Criteria: Invitae Variant Classification Sherloc (09022015). Collection method: clinical testing. Allele origin: germline.
Comment: This sequence change replaces arginine, which is basic and polar, with histidine, which is basic and polar, at codon 1903 of the MYH2 protein (p.Arg1903His). This variant is present in population databases (rs770302436, gnomAD 0.02%). This variant has not been reported in the literature in individuals affected with MYH2-related conditions. ClinVar contains an entry for this variant (Variation ID: 1519833). Invitae Evidence Modeling of protein sequence and biophysical properties (such as structural, functional, and spatial information, amino acid conservation, physicochemical variation, residue mobility, and thermodynamic stability) indicates that this missense variant is expected to disrupt MYH2 protein function with a positive predictive value of 80%. In summary, the available evidence is currently insufficient to determine the role of this variant in disease. Therefore, it has been classified as a Variant of Uncertain Significance.